The following is an entry in ClinVar:

NM_004385.5(VCAN):c.6155A>G (p.Asn2052Ser)

Genes: VCAN (versican; plus strand), VCAN-AS1 (VCAN antisense RNA 1; minus strand). Cytogenetic location: 5q14.3.
Variant type: single nucleotide variant.
Coding change: c.6155A>G on transcript NM_004385.5 (MANE Select); coding-DNA position 6155, A replaced by G.
Protein change: p.Asn2052Ser; replaces asparagine 2052 with serine.
Molecular consequence: missense variant. On other transcripts: intron variant (2).
Genome position (GRCh38, 1-based): chr5:83,539,158, A>G. VCF-style: chr5-83539158-A-G. GRCh37 (hg19) VCF-style: chr5-82834977-A-G.
Other names: c.6155A>G (NM_004385.4); c.3194A>G, p.Asn1065Ser (NM_001164097.2); c.4004-6379A>G (NM_001164098.2); c.1043-6379A>G (NM_001126336.3); short protein forms N2052S, N1065S.
Identifiers: ClinVar variation 2719394 (VCV002719394.6), dbSNP rs764792996, ClinGen allele CA3333441.

ClinVar aggregate classification (germline): Uncertain significance. Review status: criteria provided, multiple submitters, no conflicts (2 of 4 stars). 4 submissions from 4 submitters: Uncertain significance (3). 1 of the submissions does not count toward it. Last evaluated 2024-06-05.

Conditions:
Retinal dystrophy. Also called: Inherited retinal dystrophy. Identifiers: Orphanet 71862, MedGen C0854723, MeSH D058499, MONDO:0019118, HP:0000556.
Inborn genetic diseases. Identifiers: MedGen C0950123, MeSH D030342.

Allele frequency attached by ClinVar (database versions not stated): ExAC 0.00001; TOPMed 0.00003; gnomAD 0.00005; gnomAD exomes 0.00005.
gnomAD v4.1: 72 of 1,613,892 alleles (0.0045%); highest among the groups gnomAD compares: Non-Finnish European, 0.006%; no homozygotes.

Submissions (4):

Blueprint Genetics
Classification: Uncertain significance. Last evaluated: 2024-06-05. Review status: criteria provided, single submitter. Criteria: ACMG Guidelines, 2015. Collection method: clinical testing. Allele origin: germline.

Ambry Genetics
Classification: Uncertain significance for Inborn genetic diseases. Last evaluated: 2024-05-15. Review status: criteria provided, single submitter. Criteria: Ambry Variant Classification Scheme 2023. Collection method: clinical testing. Allele origin: germline.

Labcorp Genetics (formerly Invitae), Labcorp
Classification: Uncertain significance. Last evaluated: 2024-02-20. Review status: criteria provided, single submitter. Criteria: Invitae Variant Classification Sherloc (09022015). Collection method: clinical testing. Allele origin: germline.
Comment: This sequence change replaces asparagine, which is neutral and polar, with serine, which is neutral and polar, at codon 2052 of the VCAN protein (p.Asn2052Ser). This variant is present in population databases (rs764792996, gnomAD 0.004%). This variant has not been reported in the literature in individuals affected with VCAN-related conditions. Algorithms developed to predict the effect of missense changes on protein structure and function output the following: SIFT: "Not Available"; PolyPhen-2: "Benign"; Align-GVGD: "Not Available". The serine amino acid residue is found in multiple mammalian species, which suggests that this missense change does not adversely affect protein function. In summary, the available evidence is currently insufficient to determine the role of this variant in disease. Therefore, it has been classified as a Variant of Uncertain Significance.

Institute of Human Genetics, Univ. Regensburg, Univ. Regensburg
Classification: Uncertain significance for Retinal dystrophy. Last evaluated: 2022-01-01. Review status: no assertion criteria provided. Criteria: ACMG Guidelines, 2015. Collection method: clinical testing. Allele origin: germline. Affected: yes. Not counted in ClinVar's aggregate classification.